The following is an entry in ClinVar:

NM_006231.4(POLE):c.6583G>A (p.Asp2195Asn)

Gene: POLE (DNA polymerase epsilon, catalytic subunit; minus strand). Cytogenetic location: 12q24.33.
Variant type: single nucleotide variant.
Coding change: c.6583G>A on transcript NM_006231.4 (MANE Select); coding-DNA position 6583, G replaced by A.
Protein change: p.Asp2195Asn; replaces aspartic acid 2195 with asparagine.
Molecular consequence: missense variant.
Genome position (GRCh38, 1-based): chr12:132,625,719, C>T on the plus strand (G>A on the coding strand, the complement: POLE is on the minus strand). VCF-style: chr12-132625719-C-T. GRCh37 (hg19) VCF-style: chr12-133202305-C-T.
Other names: short protein forms D2195N.
Identifiers: ClinVar variation 540795 (VCV000540795.14), dbSNP rs1472336573, ClinGen allele CA387366724.

ClinVar aggregate classification (germline): Uncertain significance. Review status: criteria provided, multiple submitters, no conflicts (2 of 4 stars). 4 submissions from 4 submitters: Uncertain significance (4). Last evaluated 2025-11-26.

Conditions:
Colorectal cancer, susceptibility to, 12 (CRCS12). Also called: COLORECTAL CANCER, SUSCEPTIBILITY TO, ON CHROMOSOME 12q24. Identifiers: Orphanet 220460, MedGen C3554460, MONDO:0014038, OMIM 615083.
Hereditary cancer-predisposing syndrome. Also called: Neoplastic Syndromes, Hereditary; Hereditary Cancer Syndrome; Hereditary neoplastic syndrome; Tumor predisposition. Identifiers: Orphanet 140162, MedGen C0027672, MeSH D009386, MONDO:0015356.

Allele frequency attached by ClinVar (database versions not stated): TOPMed below 0.00001; gnomAD 0.00001; gnomAD exomes 0.00001 and below 0.00001.
gnomAD v4.1: 4 of 1,613,306 alleles (0.00025%); highest among the groups gnomAD compares: African/African-American, 0.0013%; no homozygotes.

Submissions (4):

Ambry Genetics
Classification: Uncertain significance for Hereditary cancer-predisposing syndrome. Last evaluated: 2025-11-26. Review status: criteria provided, single submitter. Criteria: Ambry Variant Classification Scheme 2023. Collection method: clinical testing. Allele origin: germline.
Comment: The p.D2195N variant (also known as c.6583G>A), located in coding exon 47 of the POLE gene, results from a G to A substitution at nucleotide position 6583. The aspartic acid at codon 2195 is replaced by asparagine, an amino acid with highly similar properties. This amino acid position is conserved. In addition, this alteration is predicted to be tolerated by in silico analysis. Since supporting evidence is limited at this time, the clinical significance of this alteration remains unclear.

Labcorp Genetics (formerly Invitae), Labcorp
Classification: Uncertain significance. Last evaluated: 2025-08-06. Review status: criteria provided, single submitter. Criteria: Invitae Variant Classification Sherloc (09022015). Collection method: clinical testing. Allele origin: germline.
Comment: This sequence change replaces aspartic acid, which is acidic and polar, with asparagine, which is neutral and polar, at codon 2195 of the POLE protein (p.Asp2195Asn). The frequency data for this variant in the population databases is considered unreliable, as metrics indicate poor data quality at this position in the gnomAD database. This variant has not been reported in the literature in individuals affected with POLE-related conditions. ClinVar contains an entry for this variant (Variation ID: 540795). Invitae Evidence Modeling of protein sequence and biophysical properties (such as structural, functional, and spatial information, amino acid conservation, physicochemical variation, residue mobility, and thermodynamic stability) indicates that this missense variant is not expected to disrupt POLE protein function with a negative predictive value of 80%. In summary, the available evidence is currently insufficient to determine the role of this variant in disease. Therefore, it has been classified as a Variant of Uncertain Significance.

St. Jude Molecular Pathology, St. Jude Children's Research Hospital
Classification: Uncertain significance for Colorectal cancer, susceptibility to, 12. Last evaluated: 2024-07-24. Review status: criteria provided, single submitter. Criteria: St. Jude Assertion Criteria 2020. Collection method: clinical testing. Allele origin: germline.
Comment: The POLE c.6583G>A (p.Asp2195Asn) missense change has a maximum subpopulation frequency of 0.004% in gnomAD v2.1.1. The in silico tool REVEL predicts a benign effect on protein function, but this prediction has not been confirmed by functional studies. This variant has not been reported in the literature in individuals with POLE-related disease. In summary, the evidence currently available is insufficient to determine the clinical significance of this variant. It has therefore been classified as of uncertain significance.

Mendelics
Classification: Uncertain significance for Colorectal cancer, susceptibility to, 12. Last evaluated: 2019-05-28. Review status: criteria provided, single submitter. Criteria: Mendelics Assertion Criteria 2017. Collection method: clinical testing. Allele origin: unknown.